The following is an entry in ClinVar:

NM_001354604.2(MITF):c.689del (p.Ile230fs)

Gene: MITF (melanocyte inducing transcription factor; plus strand). Cytogenetic location: 3p13.
Variant type: Deletion.
Coding change: c.689del on transcript NM_001354604.2 (MANE Select); coding-DNA position 689, one base deleted (T; older notation c.689delT).
Protein change: p.Ile230fs; shifts the reading frame from isoleucine 230.
Molecular consequence: frameshift variant.
Genome position (GRCh38, 1-based): chr3:69,941,258, T deleted. VCF-style (leftmost placement, unchanged base first): chr3-69941257-AT-A. GRCh37 (hg19) VCF-style: chr3-69990408-AT-A.
Other names: c.368del, p.Ile123fs (NM_000248.4, NM_198158.3); c.533del, p.Ile178fs (NM_001184967.2, NM_001354608.2); c.686del, p.Ile229fs (NM_001354605.2, NM_001354606.2, NM_006722.3); c.638del, p.Ile213fs (NM_001354607.2); c.689del, p.Ile230fs (NM_198159.3); c.641del, p.Ile214fs (NM_198177.3); c.200del, p.Ile67fs (NM_198178.3); short protein forms I123fs, I178fs, I213fs, I214fs, I229fs, I230fs, I67fs.
Identifiers: ClinVar variation 3601243 (VCV003601243.1).

ClinVar aggregate classification (germline): Pathogenic (1 of 4 stars; one submission).

Conditions:
Waardenburg syndrome type 2A (WS2A). Also called: WAARDENBURG SYNDROME WITHOUT DYSTOPIA CANTHORUM. Identifiers: Orphanet 3440, MedGen C1860339, MONDO:0008671, OMIM 193510.

Submission:

Institute of Rare Diseases, West China Hospital, Sichuan University
Classification: Pathogenic for Waardenburg syndrome type 2A. Last evaluated: 2025-01-09. Review status: criteria provided, single submitter. Criteria: ClinGen HL ACMG Specifications v1. Collection method: research. Allele origin: germline. Affected: yes.
Comment: PM1;PVS1;PM2_Supporting